The following is an entry in ClinVar:

NM_024675.4(PALB2):c.2527G>A (p.Glu843Lys)

Gene: PALB2 (partner and localizer of BRCA2; minus strand). Cytogenetic location: 16p12.2.
Variant type: single nucleotide variant.
Coding change: c.2527G>A on transcript NM_024675.4 (MANE Select); coding-DNA position 2527, G replaced by A.
Protein change: p.Glu843Lys; replaces glutamic acid 843 with lysine.
Molecular consequence: missense variant.
Genome position (GRCh38, 1-based): chr16:23,629,263, C>T on the plus strand (G>A on the coding strand, the complement: PALB2 is on the minus strand). VCF-style: chr16-23629263-C-T. GRCh37 (hg19) VCF-style: chr16-23640584-C-T.
Other names: c.2467G>A, p.Glu823Lys (NM_001407296.1); c.2527G>A, p.Glu843Lys (NM_001407298.1, NM_001407299.1, NM_001407300.1 and 2 more transcripts); c.1642G>A, p.Glu548Lys (NM_001407304.1, NM_001407305.1, NM_001407306.1 and 5 more transcripts); c.739G>A, p.Glu247Lys (NM_001407312.1, NM_001407313.1); c.61G>A, p.Glu21Lys (NM_001407314.1); short protein forms E21K, E247K, E548K, E823K, E843K.
Identifiers: ClinVar variation 2131494 (VCV002131494.5), dbSNP rs2142368965, ClinGen allele CA395123844.

ClinVar aggregate classification (germline): Uncertain significance. Review status: criteria provided, multiple submitters, no conflicts (2 of 4 stars). 2 submissions from 2 submitters: Uncertain significance (2). Last evaluated 2024-10-28.

Conditions:
Hereditary cancer-predisposing syndrome. Also called: Hereditary neoplastic syndrome; Hereditary Cancer Syndrome; Tumor predisposition; Neoplastic Syndromes, Hereditary. Identifiers: Orphanet 140162, MedGen C0027672, MeSH D009386, MONDO:0015356.
Familial cancer of breast. Also called: Hereditary breast cancer; BREAST CANCER, FAMILIAL; hereditary breast carcinoma. Identifiers: Orphanet 227535, MedGen C0346153, MONDO:0016419, OMIM 114480. Disease mechanism: loss of function.

Submissions (2):

Color Diagnostics, LLC DBA Color Health
Classification: Uncertain significance for Hereditary cancer-predisposing syndrome. Last evaluated: 2024-10-28. Review status: criteria provided, single submitter. Criteria: ACMG Guidelines, 2015. Collection method: clinical testing. Allele origin: germline.
Comment: This missense variant replaces glutamic acid with lysine at codon 843 of the PALB2 protein. Computational prediction suggests that this variant may not impact protein structure and function (internally defined REVEL score threshold <= 0.5, PMID: 27666373). To our knowledge, functional studies have not been reported for this variant. This variant has not been reported in individuals affected with PALB2-related disorders in the literature. This variant has not been identified in the general population by the Genome Aggregation Database (gnomAD). The available evidence is insufficient to determine the role of this variant in disease conclusively. Therefore, this variant is classified as a Variant of Uncertain Significance.

Labcorp Genetics (formerly Invitae), Labcorp
Classification: Uncertain significance for Familial cancer of breast. Last evaluated: 2022-05-03. Review status: criteria provided, single submitter. Criteria: Invitae Variant Classification Sherloc (09022015). Collection method: clinical testing. Allele origin: germline.
Comment: Algorithms developed to predict the effect of missense changes on protein structure and function (SIFT, PolyPhen-2, Align-GVGD) all suggest that this variant is likely to be tolerated. In summary, the available evidence is currently insufficient to determine the role of this variant in disease. Therefore, it has been classified as a Variant of Uncertain Significance. This variant has not been reported in the literature in individuals affected with PALB2-related conditions. This variant is not present in population databases (gnomAD no frequency). This sequence change replaces glutamic acid, which is acidic and polar, with lysine, which is basic and polar, at codon 843 of the PALB2 protein (p.Glu843Lys).